The following is an entry in ClinVar:

NM_001244008.2(KIF1A):c.370G>A (p.Glu124Lys)

Gene: KIF1A (kinesin family member 1A; minus strand). Cytogenetic location: 2q37.3.
Variant type: single nucleotide variant.
Coding change: c.370G>A on transcript NM_001244008.2 (MANE Select); coding-DNA position 370, G replaced by A.
Protein change: p.Glu124Lys; replaces glutamic acid 124 with lysine.
Molecular consequence: missense variant.
Genome position (GRCh38, 1-based): chr2:240,787,310, C>T on the plus strand (G>A on the coding strand, the complement: KIF1A is on the minus strand). VCF-style: chr2-240787310-C-T. GRCh37 (hg19) VCF-style: chr2-241726727-C-T.
Other names: c.370G>A, p.Glu124Lys (NM_001320705.2, NM_001330289.2, NM_001330290.2 and 20 more transcripts); short protein forms E124K.
Identifiers: ClinVar variation 1445636 (VCV001445636.7), dbSNP rs1237269969, ClinGen allele CA351309641.

ClinVar aggregate classification (germline): Uncertain significance. Review status: criteria provided, multiple submitters, no conflicts (2 of 4 stars). 2 submissions from 2 submitters: Uncertain significance (2). Last evaluated 2025-10-15.

Conditions:
Hereditary spastic paraplegia 30. Identifiers: Orphanet 101010, MedGen C5235139, MONDO:0012476.
Neuropathy, hereditary sensory, type 2C. Also called: KIF1A-Related HSAN2 (HSAN2C); Hereditary sensory and autonomic neuropathy type IIC. Identifiers: Orphanet 970, MedGen C3280168, MONDO:0013634, OMIM 614213.
Intellectual disability, autosomal dominant 9 (NESCAVS). Also called: KIF1A-Related Neurodevelopmental Disorder; NESCAV SYNDROME. Identifiers: Orphanet 662367, MedGen C5393830, MONDO:0013656, OMIM 614255.

Allele frequency attached by ClinVar (database versions not stated): TOPMed below 0.00001; gnomAD exomes below 0.00001.
gnomAD v4.1: 3 of 1,613,202 alleles (0.00019%); highest among the groups gnomAD compares: Non-Finnish European, 0.00025%; no homozygotes.

Submissions (2):

Labcorp Genetics (formerly Invitae), Labcorp
Classification: Uncertain significance for Hereditary spastic paraplegia 30; Neuropathy, hereditary sensory, type 2C; Intellectual disability, autosomal dominant 9. Last evaluated: 2025-10-15. Review status: criteria provided, single submitter. Criteria: Invitae Variant Classification Sherloc (09022015). Collection method: clinical testing. Allele origin: germline.
Comment: This sequence change replaces glutamic acid, which is acidic and polar, with lysine, which is basic and polar, at codon 124 of the KIF1A protein (p.Glu124Lys). This variant is not present in population databases (gnomAD no frequency). This variant has not been reported in the literature in individuals affected with KIF1A-related conditions. ClinVar contains an entry for this variant (Variation ID: 1445636). Invitae Evidence Modeling of protein sequence and biophysical properties (such as structural, functional, and spatial information, amino acid conservation, physicochemical variation, residue mobility, and thermodynamic stability) indicates that this missense variant is expected to disrupt KIF1A protein function with a positive predictive value of 95%. In summary, the available evidence is currently insufficient to determine the role of this variant in disease. Therefore, it has been classified as a Variant of Uncertain Significance.

Breakthrough Genomics
Classification: Uncertain significance. Review status: criteria provided, single submitter. Criteria: ACMG Guidelines, 2015. Collection method: not provided. Allele origin: germline. Inheritance: Autosomal recessive inheritance. Affected: yes.